The following is an entry in ClinVar:

ClinVar aggregate classification (germline): Conflicting classifications of pathogenicity. Review status: criteria provided, conflicting classifications (1 of 4 stars). 4 submissions from 4 submitters: Uncertain significance (2); Likely benign (1). 1 of the submissions does not count toward it. Last evaluated 2024-04-07.

Conditions:
BRCA2-related disorder. Also called: BRCA2-related condition; BRCA2-related disorders. Identifiers: MedGen CN239275.
Hereditary cancer-predisposing syndrome. Also called: Hereditary Cancer Syndrome; Hereditary neoplastic syndrome; Neoplastic Syndromes, Hereditary; Tumor predisposition. Identifiers: Orphanet 140162, MedGen C0027672, MeSH D009386, MONDO:0015356.
Hereditary breast ovarian cancer syndrome. Also called: Hereditary breast and ovarian cancer; BRCA1- and BRCA2-Associated Hereditary Breast and Ovarian Cancer; Hereditary breast and ovarian cancer syndrome (HBOC); Hereditary breast and ovarian cancer syndrome; Breast and ovarian cancer; Hereditary breast and/or ovarian cancer syndrome. Identifiers: Orphanet 145, MedGen C0677776, MeSH D061325, MONDO:0003582. Disease mechanism: loss of function.

Submissions (4):

Labcorp Genetics (formerly Invitae), Labcorp
Classification: Uncertain significance for Hereditary breast ovarian cancer syndrome. Last evaluated: 2024-04-07. Review status: criteria provided, single submitter. Criteria: Invitae Variant Classification Sherloc (09022015). Collection method: clinical testing. Allele origin: germline.
Comment: This sequence change replaces threonine, which is neutral and polar, with lysine, which is basic and polar, at codon 317 of the BRCA2 protein (p.Thr317Lys). This variant is not present in population databases (gnomAD no frequency). This variant has not been reported in the literature in individuals affected with BRCA2-related conditions. ClinVar contains an entry for this variant (Variation ID: 1767210). Advanced modeling of protein sequence and biophysical properties (such as structural, functional, and spatial information, amino acid conservation, physicochemical variation, residue mobility, and thermodynamic stability) performed at Invitae indicates that this missense variant is not expected to disrupt BRCA2 protein function with a negative predictive value of 95%. In summary, the available evidence is currently insufficient to determine the role of this variant in disease. Therefore, it has been classified as a Variant of Uncertain Significance.

University of Washington Department of Laboratory Medicine, University of Washington
Classification: Likely benign for Hereditary cancer-predisposing syndrome. Last evaluated: 2023-03-23. Review status: criteria provided, single submitter. Criteria: Dines et al. (Genet Med. 2020). Collection method: curation. Allele origin: germline.
Comment: Missense variant in a coldspot region where missense variants are very unlikely to be pathogenic (PMID:31911673).

BRCA2 exon 10 coldspot. Reclassification based on statistical prior probability.

Ambry Genetics
Classification: Uncertain significance for Hereditary cancer-predisposing syndrome. Last evaluated: 2021-12-11. Review status: criteria provided, single submitter. Criteria: Ambry Variant Classification Scheme 2023. Collection method: clinical testing. Allele origin: germline.
Comment: The p.T317K variant (also known as c.950C>A), located in coding exon 9 of the BRCA2 gene, results from a C to A substitution at nucleotide position 950. The threonine at codon 317 is replaced by lysine, an amino acid with similar properties. This amino acid position is conserved. In addition, this alteration is predicted to be tolerated by in silico analysis. Since supporting evidence is limited at this time, the clinical significance of this alteration remains unclear.

PreventionGenetics, part of Exact Sciences
Classification: Uncertain significance for BRCA2-related condition. Last evaluated: 2024-02-02. Review status: no assertion criteria provided. Collection method: clinical testing. Allele origin: germline. Not counted in ClinVar's aggregate classification.
Comment: The BRCA2 c.950C>A variant is predicted to result in the amino acid substitution p.Thr317Lys. To our knowledge, this variant has not been reported in the literature or in a large population database, indicating this variant is rare. This variant occurs within a region of the BRCA2 gene that is predicted to be tolerant to missense variation (Table 2, Dines et al. 2020. PubMed ID: 31911673). This variant has interpretations of uncertain and likely benign in ClinVar. At this time, the clinical significance of this variant is uncertain due to the absence of conclusive functional and genetic evidence.

NM_000059.4(BRCA2):c.950C>A (p.Thr317Lys)

Gene: BRCA2 (BRCA2 DNA repair associated; plus strand). Cytogenetic location: 13q13.1.
Variant type: single nucleotide variant.
Coding change: c.950C>A on transcript NM_000059.4 (MANE Select); coding-DNA position 950, C replaced by A.
Protein change: p.Thr317Lys; replaces threonine 317 with lysine.
Molecular consequence: missense variant.
Genome position (GRCh38, 1-based): chr13:32,332,428, C>A. VCF-style: chr13-32332428-C-A. GRCh37 (hg19) VCF-style: chr13-32906565-C-A.
Other names: c.950C>A, p.Thr317Lys (NM_001406719.1, NM_001406720.1, NM_001406721.1); short protein forms T317K.
Identifiers: ClinVar variation 1767210 (VCV001767210.8), dbSNP rs1341473353, ClinGen allele CA387760847.